The following is an entry in ClinVar:

NM_000539.3(RHO):c.533A>G (p.Tyr178Cys)

Gene: RHO (rhodopsin; plus strand). Cytogenetic location: 3q22.1.
Variant type: single nucleotide variant.
Coding change: c.533A>G on transcript NM_000539.3 (MANE Select); coding-DNA position 533, A replaced by G.
Protein change: p.Tyr178Cys; replaces tyrosine 178 with cysteine.
Molecular consequence: missense variant.
Genome position (GRCh38, 1-based): chr3:129,532,253, A>G. VCF-style: chr3-129532253-A-G. GRCh37 (hg19) VCF-style: chr3-129251096-A-G.
Other names: short protein forms Y178C.
Identifiers: ClinVar variation 13025 (VCV000013025.44), dbSNP rs104893776, ClinGen allele CA256672.

ClinVar aggregate classification (germline): Pathogenic/Likely pathogenic. Review status: criteria provided, multiple submitters, no conflicts (2 of 4 stars). 9 submissions from 9 submitters: Pathogenic (5); Likely pathogenic (2). 2 of the submissions do not count toward it. Last evaluated 2025-08-17.

Conditions:
RHO-related disorder. Also called: RHO-related condition.
Retinal dystrophy. Also called: Inherited retinal dystrophy. Identifiers: Orphanet 71862, MedGen C0854723, MeSH D058499, MONDO:0019118, HP:0000556.
Retinitis pigmentosa (RP). Identifiers: Orphanet 791, MedGen C0035334, MeSH D012174, MONDO:0019200, OMIM 268000. Inheritance: Autosomal dominant, autosomal recessive and X linked inheritance.
Retinitis pigmentosa 4 (RP4). Also called: RETINITIS PIGMENTOSA, RHODOPSIN-RELATED. Identifiers: Orphanet 791, MedGen C3151001, MONDO:0013395, OMIM 613731.

Allele frequency attached by ClinVar (database versions not stated): gnomAD exomes below 0.00001.

Submissions (9):

Labcorp Genetics (formerly Invitae), Labcorp
Classification: Pathogenic. Last evaluated: 2025-08-17. Review status: criteria provided, single submitter. Criteria: Invitae Variant Classification Sherloc (09022015). Collection method: clinical testing. Allele origin: germline.
Comment: This sequence change replaces tyrosine, which is neutral and polar, with cysteine, which is neutral and slightly polar, at codon 178 of the RHO protein (p.Tyr178Cys). This variant is not present in population databases (gnomAD no frequency). This missense change has been observed in individuals with autosomal dominant retinitis pigmentosa (PMID: 1862076, 25221422, 25408095, 29847639, 30718709). ClinVar contains an entry for this variant (Variation ID: 13025). Invitae Evidence Modeling of protein sequence and biophysical properties (such as structural, functional, and spatial information, amino acid conservation, physicochemical variation, residue mobility, and thermodynamic stability) indicates that this missense variant is expected to disrupt RHO protein function with a positive predictive value of 95%. Experimental studies have shown that this missense change affects RHO function (PMID: 1924344, 30240733). This variant disrupts the p.Tyr178 amino acid residue in RHO. Other variant(s) that disrupt this residue have been observed in individuals with RHO-related conditions (PMID: 7987331, 23591405), which suggests that this may be a clinically significant amino acid residue. For these reasons, this variant has been classified as Pathogenic.

SingHealth Duke-NUS Institute of Precision Medicine
Classification: Likely pathogenic for Retinitis pigmentosa 4. Last evaluated: 2025-02-05. Review status: criteria provided, single submitter. Criteria: PRISM ACMG Classification Criteria. Collection method: clinical testing. Allele origin: germline. Affected: yes.
Comment: Variant is located in a mutational hotspot where >50% of variants are pathogenic (PM1). Variant allele frequency is below 0.00001 in gnomAD exomes and not found in genomes (PM2). Other variant at this amino acid residue has been classified as pathogenic (PM5, p.Tyr178His). REVEL score is 0.89 (PP3_mod)

Blueprint Genetics
Classification: Pathogenic for RHO-related disorders. Last evaluated: 2024-11-22. Review status: criteria provided, single submitter. Criteria: ACMG Guidelines, 2015. Collection method: clinical testing. Allele origin: germline. Affected: yes. Observed: 5 variant alleles.

GeneDx
Classification: Pathogenic. Last evaluated: 2023-01-19. Review status: criteria provided, single submitter. Criteria: GeneDx Variant Classification Process June 2021. Collection method: clinical testing. Allele origin: germline. Affected: yes.
Comment: Not observed in large population cohorts (gnomAD); In silico analysis supports that this missense variant has a deleterious effect on protein structure/function; This variant is associated with the following publications: (PMID: 25221422, 24265693, 1783387, 22736939, 31047384, 35456422, 21094163, 21677794, 11139241, 22219383, 25408095, 1862076, 30977563, 29847639, 26155838)

CeGaT Center for Human Genetics Tuebingen
Classification: Pathogenic. Last evaluated: 2022-06-01. Review status: criteria provided, single submitter. Criteria: CeGaT Center For Human Genetics Tuebingen Variant Classification Criteria Version 2. Collection method: clinical testing. Allele origin: germline. Affected: yes. Observed: 1 variant allele.
Comment: RHO: PM1, PM2, PM5, PS4:Moderate, PP1, PP4

Centre for Genomic Medicine, Manchester, Central Manchester University Hospitals
Classification: Likely pathogenic for Retinitis pigmentosa 4. Last evaluated: 2020-09-01. Review status: criteria provided, single submitter. Criteria: ACMG Guidelines, 2015. Collection method: clinical testing. Allele origin: germline. Affected: yes. Observed: 4 heterozygotes.

Institute of Human Genetics, Univ. Regensburg, Univ. Regensburg
Classification: Pathogenic for Retinal dystrophy. Last evaluated: 2013-01-01. Review status: criteria provided, single submitter. Criteria: ACMG Guidelines, 2015. Collection method: clinical testing. Allele origin: germline. Affected: yes.

Department of Clinical Genetics, Copenhagen University Hospital, Rigshospitalet
Classification: Pathogenic for Retinitis pigmentosa. Last evaluated: 2018-04-01. Review status: no assertion criteria provided. Collection method: research. Allele origin: unknown. Affected: yes. Study: VeluxRD. Not counted in ClinVar's aggregate classification.

OMIM
Classification: Pathogenic for RETINITIS PIGMENTOSA 4. Last evaluated: 1991-12-01. Review status: no assertion criteria provided. Collection method: literature only. Allele origin: germline. Not counted in ClinVar's aggregate classification.

Literature cited by the submitters: PubMed 1862076 (cited by 3 submitters); PubMed 25221422 (cited by Labcorp Genetics (formerly Invitae), Labcorp and Institute of Human Genetics, Univ. Regensburg, Univ. Regensburg); PubMed 25408095 (cited by Labcorp Genetics (formerly Invitae), Labcorp); PubMed 29847639 (cited by Labcorp Genetics (formerly Invitae), Labcorp and Institute of Human Genetics, Univ. Regensburg, Univ. Regensburg); PubMed 30718709 (cited by Labcorp Genetics (formerly Invitae), Labcorp and Department of Clinical Genetics, Copenhagen University Hospital, Rigshospitalet); PubMed 1924344 (cited by Labcorp Genetics (formerly Invitae), Labcorp); PubMed 30240733 (cited by Labcorp Genetics (formerly Invitae), Labcorp); PubMed 7987331 (cited by Labcorp Genetics (formerly Invitae), Labcorp); PubMed 23591405 (cited by Labcorp Genetics (formerly Invitae), Labcorp); PubMed 21094163 (cited by Institute of Human Genetics, Univ. Regensburg, Univ. Regensburg); PubMed 24265693 (cited by Institute of Human Genetics, Univ. Regensburg, Univ. Regensburg); PubMed 30977563 (cited by Institute of Human Genetics, Univ. Regensburg, Univ. Regensburg); PubMed 33749171 (cited by Institute of Human Genetics, Univ. Regensburg, Univ. Regensburg); PubMed 35456422 (cited by Institute of Human Genetics, Univ. Regensburg, Univ. Regensburg); PubMed 1783387 (cited by OMIM).